The following is an entry in ClinVar:

ClinVar aggregate classification (germline): Uncertain significance. Review status: criteria provided, multiple submitters, no conflicts (2 of 4 stars). 3 submissions from 3 submitters: Uncertain significance (3). Last evaluated 2022-06-27.

Conditions:
Deficiency of malonyl-CoA decarboxylase. Also called: Malonic aciduria; MCD deficiency. Identifiers: Orphanet 943, MedGen C0342793, MONDO:0009556, OMIM 248360.
Inborn genetic diseases. Identifiers: MedGen C0950123, MeSH D030342.

Allele frequency attached by ClinVar (database versions not stated): gnomAD 0.00001; TOPMed 0.00001; gnomAD exomes 0.00003; ExAC 0.00004.

Submissions (3):

Ambry Genetics
Classification: Uncertain significance for Inborn genetic diseases. Last evaluated: 2022-06-27. Review status: criteria provided, single submitter. Criteria: Ambry Variant Classification Scheme 2023. Collection method: clinical testing. Allele origin: germline.

Labcorp Genetics (formerly Invitae), Labcorp
Classification: Uncertain significance for Deficiency of malonyl-CoA decarboxylase. Last evaluated: 2022-01-06. Review status: criteria provided, single submitter. Criteria: Invitae Variant Classification Sherloc (09022015). Collection method: clinical testing. Allele origin: germline.
Comment: This sequence change replaces proline, which is neutral and non-polar, with serine, which is neutral and polar, at codon 205 of the MLYCD protein (p.Pro205Ser). This variant is present in population databases (rs759089126, gnomAD 0.007%). This variant has not been reported in the literature in individuals affected with MLYCD-related conditions. ClinVar contains an entry for this variant (Variation ID: 320727). Algorithms developed to predict the effect of missense changes on protein structure and function output the following: SIFT: "Deleterious"; PolyPhen-2: "Benign"; Align-GVGD: "Class C65". The serine amino acid residue is found in multiple mammalian species, which suggests that this missense change does not adversely affect protein function. In summary, the available evidence is currently insufficient to determine the role of this variant in disease. Therefore, it has been classified as a Variant of Uncertain Significance.

Illumina Laboratory Services, Illumina
Classification: Uncertain significance for Deficiency of malonyl-CoA decarboxylase. Last evaluated: 2018-01-12. Review status: criteria provided, single submitter. Criteria: ICSL Variant Classification Criteria 13 December 2019. Collection method: clinical testing. Allele origin: germline.

NM_012213.3(MLYCD):c.613C>T (p.Pro205Ser)

Gene: MLYCD (malonyl-CoA decarboxylase; plus strand). Cytogenetic location: 16q23.3.
Variant type: single nucleotide variant.
Coding change: c.613C>T on transcript NM_012213.3 (MANE Select); coding-DNA position 613, C replaced by T.
Protein change: p.Pro205Ser; replaces proline 205 with serine.
Molecular consequence: missense variant.
Genome position (GRCh38, 1-based): chr16:83,907,071, C>T. VCF-style: chr16-83907071-C-T. GRCh37 (hg19) VCF-style: chr16-83940676-C-T.
Other names: short protein forms P205S.
Identifiers: ClinVar variation 320727 (VCV000320727.8), dbSNP rs759089126, ClinGen allele CA8197293.